The following is an entry in ClinVar:

ClinVar aggregate classification (germline): Likely benign. Review status: criteria provided, multiple submitters, no conflicts (2 of 4 stars). 3 submissions from 3 submitters: Likely benign (2). 1 of the submissions does not count toward it. Last evaluated 2026-01-19.

Conditions:
TULP1-related disorder. Also called: TULP1-related condition; TULP1-related disorders.

Allele frequency attached by ClinVar (database versions not stated): ExAC 0.00007; gnomAD exomes 0.00008; TOPMed 0.00020; gnomAD 0.00021 and 0.00023; ESP Exome Variant Server 0.00023.
gnomAD v4.1: 131 of 1,613,914 alleles (0.0081%); highest among the groups gnomAD compares: African/African-American, 0.077%; no homozygotes.

Submissions (3):

Labcorp Genetics (formerly Invitae), Labcorp
Classification: Likely benign. Last evaluated: 2026-01-19. Review status: criteria provided, single submitter. Criteria: Invitae Variant Classification Sherloc (09022015). Collection method: clinical testing. Allele origin: germline.

Blueprint Genetics
Classification: Likely benign. Last evaluated: 2024-08-22. Review status: criteria provided, single submitter. Criteria: ACMG Guidelines, 2015. Collection method: clinical testing. Allele origin: germline.

PreventionGenetics, part of Exact Sciences
Classification: Likely benign for TULP1-related condition. Last evaluated: 2019-07-16. Review status: no assertion criteria provided. Collection method: clinical testing. Allele origin: germline. Not counted in ClinVar's aggregate classification.
Comment: This variant is classified as likely benign based on ACMG/AMP sequence variant interpretation guidelines (Richards et al. 2015 PMID: 25741868, with internal and published modifications).

NM_003322.6(TULP1):c.615C>T (p.Ala205=)

Gene: TULP1 (TUB like protein 1; minus strand). Cytogenetic location: 6p21.31.
Variant type: single nucleotide variant.
Coding change: c.615C>T on transcript NM_003322.6 (MANE Select); coding-DNA position 615, C replaced by T.
Protein change: p.Ala205=; no amino-acid change (alanine 205 retained).
Molecular consequence: synonymous variant.
Genome position (GRCh38, 1-based): chr6:35,509,737, G>A on the plus strand (C>T on the coding strand, the complement: TULP1 is on the minus strand). VCF-style: chr6-35509737-G-A. GRCh37 (hg19) VCF-style: chr6-35477514-G-A.
Other names: c.615C>T (NM_003322.5); c.456C>T, p.Ala152= (NM_001289395.2).
Identifiers: ClinVar variation 1128809 (VCV001128809.11), dbSNP rs113370625, ClinGen allele CA3772859.